The following is an entry in ClinVar:

NM_006885.4(ZFHX3):c.3344G>A (p.Ser1115Asn)

Gene: ZFHX3 (zinc finger homeobox 3; minus strand). Cytogenetic location: 16q22.3.
Variant type: single nucleotide variant.
Coding change: c.3344G>A on transcript NM_006885.4 (MANE Select); coding-DNA position 3344, G replaced by A.
Protein change: p.Ser1115Asn; replaces serine 1115 with asparagine.
Molecular consequence: missense variant.
Genome position (GRCh38, 1-based): chr16:72,889,835, C>T on the plus strand (G>A on the coding strand, the complement: ZFHX3 is on the minus strand). VCF-style: chr16-72889835-C-T. GRCh37 (hg19) VCF-style: chr16-72923734-C-T.
Other names: c.3344G>A (NM_006885.3); c.602G>A, p.Ser201Asn (NM_001164766.2); c.3344G>A, p.Ser1115Asn (NM_001386735.1); short protein forms S1115N, S201N.
Identifiers: ClinVar variation 3257102 (VCV003257102.18).

ClinVar aggregate classification (germline): Uncertain significance. Review status: criteria provided, multiple submitters, no conflicts (2 of 4 stars). 2 submissions from 2 submitters: Uncertain significance (2). Last evaluated 2025-03-08.

gnomAD v4.1: 1 of 1,614,110 alleles (0.000062%); highest among the groups gnomAD compares: Non-Finnish European, 0.000085%; no homozygotes.

Submissions (2):

Ambry Genetics
Classification: Uncertain significance. Last evaluated: 2025-03-08. Review status: criteria provided, single submitter. Criteria: Ambry Variant Classification Scheme 2023. Collection method: clinical testing. Allele origin: germline.

CeGaT Center for Human Genetics Tuebingen
Classification: Uncertain significance. Last evaluated: 2024-07-01. Review status: criteria provided, single submitter. Criteria: CeGaT Center For Human Genetics Tuebingen Variant Classification Criteria Version 2. Collection method: clinical testing. Allele origin: germline. Affected: yes. Observed: 1 variant allele.
Comment: ZFHX3: PM2